The following is an entry in ClinVar:

ClinVar aggregate classification (germline): Uncertain significance (1 of 4 stars; one submission).

Conditions:
Cardioacrofacial dysplasia 2. Identifiers: MedGen C5436886, MONDO:0030877, OMIM 619143.

Submission:

Victorian Clinical Genetics Services, Murdoch Childrens Research Institute
Classification: Uncertain significance for Cardioacrofacial dysplasia 2. Last evaluated: 2026-07-15. Review status: criteria provided, single submitter. Criteria: ACMG Guidelines, 2015. Collection method: clinical testing. Allele origin: germline. Affected: yes.
Comment: This variant is classified as VUS-3A. Evidence in support of pathogenic classification: Variant is absent from gnomAD (v4); Additional information: Variant is predicted to result in a missense amino acid change from Leu to Val; This variant is heterozygous; This gene is associated with autosomal dominant disease; This variant has no previous evidence of pathogenicity; No published evidence of segregation with disease has been identified for this variant; No published functional evidence has been identified for this variant; No comparable missense variants have previous evidence for pathogenicity; Variant is located in the annotated protein kinase domain (DECIPHER); Missense variant with inconclusive in silico prediction and/or uninformative conservation; Gain of function is a known mechanism of disease in this gene and is associated with cardioacrofacial dysplasia 2 (MIM#619143).

NM_182948.4(PRKACB):c.949C>G (p.Leu317Val)

Gene: PRKACB (protein kinase cAMP-activated catalytic subunit beta; plus strand). Cytogenetic location: 1p31.1.
Variant type: single nucleotide variant.
Coding change: c.949C>G on transcript NM_182948.4 (MANE Select); coding-DNA position 949, C replaced by G.
Protein change: p.Leu317Val; replaces leucine 317 with valine.
Molecular consequence: missense variant.
Genome position (GRCh38, 1-based): chr1:84,214,195, C>G. VCF-style: chr1-84214195-C-G. GRCh37 (hg19) VCF-style: chr1-84679878-C-G.
Other names: c.805C>G, p.Leu269Val (NM_001375562.1); c.796C>G, p.Leu266Val (NM_001375563.1); c.793C>G, p.Leu265Val (NM_001375564.1); c.769C>G, p.Leu257Val (NM_001375565.1, NM_001242862.3); c.808C>G, p.Leu270Val (NM_002731.4); c.817C>G, p.Leu273Val (NM_001375560.1); c.802C>G, p.Leu268Val (NM_001375561.1); c.829C>G, p.Leu277Val (NM_001242857.3); and 4 more; short protein forms L240V, L257V, L258V, L265V, L266V, L268V, L269V, L270V.
Identifiers: ClinVar variation 4879659 (VCV004879659.1).